The following is an entry in ClinVar:

ClinVar aggregate classification (germline): Likely benign. Review status: criteria provided, multiple submitters, no conflicts (2 of 4 stars). 4 submissions from 4 submitters: Likely benign (4). Last evaluated 2026-01-24.

Conditions:
Joubert syndrome 25 (JBTS25). Identifiers: Orphanet 475, MedGen C4084842, MONDO:0014770, OMIM 616781.

Allele frequency attached by ClinVar (database versions not stated): gnomAD 0.00039 and 0.00040; gnomAD exomes 0.00041 and 0.00047; TOPMed 0.00049; ExAC 0.00055; 1000 Genomes Project 0.00080; 1000 Genomes Project 30x 0.00094; ESP Exome Variant Server 0.00031.
gnomAD v4.1: 657 of 1,614,242 alleles (0.041%); highest among the groups gnomAD compares: Admixed American, 0.087%; 1 homozygote.

Submissions (4):

Labcorp Genetics (formerly Invitae), Labcorp
Classification: Likely benign for Joubert syndrome 25. Last evaluated: 2026-01-24. Review status: criteria provided, single submitter. Criteria: Invitae Variant Classification Sherloc (09022015). Collection method: clinical testing. Allele origin: germline.

CeGaT Center for Human Genetics Tuebingen
Classification: Likely benign. Last evaluated: 2025-01-01. Review status: criteria provided, single submitter. Criteria: CeGaT Center For Human Genetics Tuebingen Variant Classification Criteria Version 2. Collection method: clinical testing. Allele origin: germline. Affected: yes. Observed: 4 variant alleles.
Comment: CEP104: BP4, BP7

Blueprint Genetics
Classification: Likely benign. Last evaluated: 2024-09-25. Review status: criteria provided, single submitter. Criteria: ACMG Guidelines, 2015. Collection method: clinical testing. Allele origin: germline.

GeneDx
Classification: Likely benign. Last evaluated: 2021-01-06. Review status: criteria provided, single submitter. Criteria: GeneDx Variant Classification Process June 2021. Collection method: clinical testing. Allele origin: germline. Affected: yes.

NM_014704.4(CEP104):c.1653T>C (p.Phe551=)

Gene: CEP104 (centrosomal protein 104; minus strand). Cytogenetic location: 1p36.32.
Variant type: single nucleotide variant.
Coding change: c.1653T>C on transcript NM_014704.4 (MANE Select); coding-DNA position 1653, T replaced by C.
Protein change: p.Phe551=; no amino-acid change (phenylalanine 551 retained).
Molecular consequence: synonymous variant.
Genome position (GRCh38, 1-based): chr1:3,833,868, A>G on the plus strand (T>C on the coding strand, the complement: CEP104 is on the minus strand). VCF-style: chr1-3833868-A-G. GRCh37 (hg19) VCF-style: chr1-3750432-A-G.
Identifiers: ClinVar variation 1209253 (VCV001209253.33), dbSNP rs141730324, ClinGen allele CA551555.
Genomic context (GRCh38, chr1:3,833,868, plus strand): 5'-CTACAGGAATATGTTTATCATCTACGGTTTCAAATGCCGTGGTGAAGTTCAGACCTGAAT[A>G]AAATTTGCAGCTGTGACGCGGAGGCGGGCAGAAGAATCTCCAGTTCTGGTGAGCAAAACG-3'
Protein context (NP_055519.1, residues 541-561): SARLRVTAAN[Phe551=]IQEMALFKEV